The following is an entry in ClinVar:

ClinVar aggregate classification (germline): Uncertain significance. Review status: criteria provided, single submitter (1 of 4 stars). 2 submissions from 2 submitters: Uncertain significance (1). 1 of the submissions does not count toward it. Last evaluated 2022-02-23.

Conditions:
SETX-related disorder. Also called: SETX-related disorders; SETX-related condition. Identifiers: MedGen CN239403.
Amyotrophic lateral sclerosis type 4 (ALS4). Also called: AMYOTROPHIC LATERAL SCLEROSIS 4, JUVENILE; NEURONOPATHY, DISTAL HEREDITARY MOTOR, WITH PYRAMIDAL FEATURES. Identifiers: Orphanet 357043, MedGen C1865409, MONDO:0011223, OMIM 602433.
Spinocerebellar ataxia, autosomal recessive, with axonal neuropathy 2 (SCAN2). Also called: Ataxia-ocular apraxia-2; Ataxia with Oculomotor Apraxia; ATAXIA-OCULOMOTOR APRAXIA 2; Ataxia with Oculomotor Apraxia Type 2. Identifiers: Orphanet 64753, MedGen C1853761, MONDO:0018996, OMIM 606002.

Allele frequency attached by ClinVar (database versions not stated): gnomAD exomes below 0.00001; TOPMed below 0.00001.
gnomAD v4.1: 7 of 1,614,180 alleles (0.00043%); highest among the groups gnomAD compares: Admixed American, 0.0017%; no homozygotes.

Submissions (2):

Labcorp Genetics (formerly Invitae), Labcorp
Classification: Uncertain significance for Amyotrophic lateral sclerosis type 4; Spinocerebellar ataxia, autosomal recessive, with axonal neuropathy 2. Last evaluated: 2022-02-23. Review status: criteria provided, single submitter. Criteria: Invitae Variant Classification Sherloc (09022015). Collection method: clinical testing. Allele origin: germline.
Comment: This sequence change replaces tyrosine, which is neutral and polar, with cysteine, which is neutral and slightly polar, at codon 1396 of the SETX protein (p.Tyr1396Cys). This variant is not present in population databases (gnomAD no frequency). This variant has not been reported in the literature in individuals affected with SETX-related conditions. Advanced modeling of protein sequence and biophysical properties (such as structural, functional, and spatial information, amino acid conservation, physicochemical variation, residue mobility, and thermodynamic stability) performed at Invitae indicates that this missense variant is not expected to disrupt SETX protein function. In summary, the available evidence is currently insufficient to determine the role of this variant in disease. Therefore, it has been classified as a Variant of Uncertain Significance.

PreventionGenetics, part of Exact Sciences
Classification: Uncertain significance for SETX-related condition. Last evaluated: 2024-05-21. Review status: no assertion criteria provided. Collection method: clinical testing. Allele origin: germline. Not counted in ClinVar's aggregate classification.
Comment: The SETX c.4187A>G variant is predicted to result in the amino acid substitution p.Tyr1396Cys. To our knowledge, this variant has not been reported in the literature or in a large population database, indicating this variant is rare. At this time, the clinical significance of this variant is uncertain due to the absence of conclusive functional and genetic evidence.

NM_015046.7(SETX):c.4187A>G (p.Tyr1396Cys)

Gene: SETX (senataxin; minus strand). Cytogenetic location: 9q34.13.
Variant type: single nucleotide variant.
Coding change: c.4187A>G on transcript NM_015046.7 (MANE Select); coding-DNA position 4187, A replaced by G.
Protein change: p.Tyr1396Cys; replaces tyrosine 1396 with cysteine.
Molecular consequence: missense variant.
Genome position (GRCh38, 1-based): chr9:132,327,411, T>C on the plus strand (A>G on the coding strand, the complement: SETX is on the minus strand). VCF-style: chr9-132327411-T-C. GRCh37 (hg19) VCF-style: chr9-135202798-T-C.
Other names: c.4187A>G, p.Tyr1396Cys (NM_001351527.2, NM_001351528.2); short protein forms Y1396C.
Identifiers: ClinVar variation 1986400 (VCV001986400.5), dbSNP rs1336844020, ClinGen allele CA375327038.